The following is an entry in ClinVar:

NM_003072.5(SMARCA4):c.274C>G (p.Gln92Glu)

Gene: SMARCA4 (SWI/SNF related BAF chromatin remodeling complex subunit ATPase 4; plus strand). Cytogenetic location: 19p13.2.
Variant type: single nucleotide variant.
Coding change: c.274C>G on transcript NM_003072.5 (MANE Select); coding-DNA position 274, C replaced by G.
Protein change: p.Gln92Glu; replaces glutamine 92 with glutamic acid.
Molecular consequence: missense variant. On other transcripts: non-coding transcript variant (1).
Genome position (GRCh38, 1-based): chr19:10,985,324, C>G. VCF-style: chr19-10985324-C-G. GRCh37 (hg19) VCF-style: chr19-11096000-C-G.
Other names: c.274C>G, p.Gln92Glu (NM_001128844.3, NM_001128845.2, NM_001128846.2 and 6 more transcripts); short protein forms Q92E.
Identifiers: ClinVar variation 1795526 (VCV001795526.8), dbSNP rs2145750154, ClinGen allele CA404055189.

ClinVar aggregate classification (germline): Uncertain significance. Review status: criteria provided, multiple submitters, no conflicts (2 of 4 stars). 2 submissions from 2 submitters: Uncertain significance (2). Last evaluated 2025-11-04.

Conditions:
Hereditary cancer-predisposing syndrome. Also called: Tumor predisposition; Hereditary Cancer Syndrome; Neoplastic Syndromes, Hereditary; Hereditary neoplastic syndrome. Identifiers: Orphanet 140162, MedGen C0027672, MeSH D009386, MONDO:0015356.
Rhabdoid tumor predisposition syndrome 2 (RTPS2). Identifiers: Orphanet 231108, Orphanet 69077, MedGen C2750074, MONDO:0013224, OMIM 613325.

Allele frequency attached by ClinVar (database versions not stated): gnomAD exomes below 0.00001.
gnomAD v4.1: 1 of 1,614,088 alleles (0.000062%); highest among the groups gnomAD compares: Non-Finnish European, 0.000085%; no homozygotes.

Submissions (2):

Ambry Genetics
Classification: Uncertain significance for Hereditary cancer-predisposing syndrome. Last evaluated: 2025-11-04. Review status: criteria provided, single submitter. Criteria: Ambry Variant Classification Scheme 2023. Collection method: clinical testing. Allele origin: germline.
Comment: The p.Q92E variant (also known as c.274C>G), located in coding exon 2 of the SMARCA4 gene, results from a C to G substitution at nucleotide position 274. The glutamine at codon 92 is replaced by glutamic acid, an amino acid with highly similar properties. This amino acid position is well conserved in available vertebrate species. In addition, the in silico prediction for this alteration is inconclusive. Missense and in-frame variants in SMARCA4 are known to cause neurodevelopmental disorders; however, such associations with rhabdoid tumor predisposition syndrome including small cell carcinoma of the ovary-hypercalcemic type (SCCOHT) are exceedingly rare (Kosho T et al. Am J Med Genet C Semin Med Genet. 2014 Sep;166C(3):262-75; Jelinic P et al. Nat Genet. 2014 May;46(5):424-6). Based on the supporting evidence, the association of this alteration with Coffin-Siris syndrome is unknown; however, the association of this alteration with rhabdoid tumor predisposition syndrome is unlikely.

Labcorp Genetics (formerly Invitae), Labcorp
Classification: Uncertain significance for Rhabdoid tumor predisposition syndrome 2. Last evaluated: 2025-09-15. Review status: criteria provided, single submitter. Criteria: Invitae Variant Classification Sherloc (09022015). Collection method: clinical testing. Allele origin: germline.
Comment: This sequence change replaces glutamine, which is neutral and polar, with glutamic acid, which is acidic and polar, at codon 92 of the SMARCA4 protein (p.Gln92Glu). This variant is not present in population databases (gnomAD no frequency). This variant has not been reported in the literature in individuals affected with SMARCA4-related conditions. ClinVar contains an entry for this variant (Variation ID: 1795526). Invitae Evidence Modeling of protein sequence and biophysical properties (such as structural, functional, and spatial information, amino acid conservation, physicochemical variation, residue mobility, and thermodynamic stability) indicates that this missense variant is not expected to disrupt SMARCA4 protein function with a negative predictive value of 95%. In summary, the available evidence is currently insufficient to determine the role of this variant in disease. Therefore, it has been classified as a Variant of Uncertain Significance.